The following is an entry in ClinVar:

NM_152564.5(VPS13B):c.9837_9870del (p.Asp3278_Cys3279insTer)

Gene: VPS13B (vacuolar protein sorting 13 homolog B; plus strand). Cytogenetic location: 8q22.2.
Variant type: Deletion.
Coding change: c.9837_9870del on transcript NM_152564.5 (MANE Select); coding-DNA positions 9837 to 9870, 34 bases deleted.
Protein change: p.Asp3278_Cys3279insTer.
Molecular consequence: nonsense. On other transcripts: frameshift variant (1).
Genome position (GRCh38, 1-based): chr8:99,835,633-99,835,666, 34 bases deleted; deleting any 34 consecutive bases within chr8:99,835,631-99,835,666 gives the same sequence; the c. name uses the placement nearest the transcript's 3' end. GRCh37 (hg19): chr8:100,847,861-100,847,894.
Other names: c.9912_9945del34, p.Cys3304Terfs (NM_017890.4); c.9912_9945del, p.Asp3303_Cys3304insTer (NM_017890.5).
Identifiers: ClinVar variation 4815987 (VCV004815987.1).

ClinVar aggregate classification (germline): Likely pathogenic (1 of 4 stars; one submission).

Conditions:
Cohen syndrome (COH1). Also called: PEPPER SYNDROME; Cutis verticis gyrata, retinitis pigmentosa, and sensorineural deafness. Identifiers: Orphanet 193, MedGen C0265223, MONDO:0008999, OMIM 216550.

Submission:

Natera, Inc.
Classification: Likely pathogenic for Cohen syndrome. Last evaluated: 2024-12-04. Review status: criteria provided, single submitter. Criteria: Natera Variant Classification Schema (03/2026). Collection method: clinical testing. Allele origin: germline.
Comment: The c.9912_9945del variant in VPS13B is a frameshift variant predicted to shift the reading frame and introduce a stop codon. This variant is expected to result in nonsense mediated decay, truncation, or a dysfunctional protein product. This variant is rare in the general population with a frequency below the threshold expected for the associated phenotype(s). Given the available evidence, this variant is classified as Likely Pathogenic.